The following is an entry in ClinVar:

NM_001110556.2(FLNA):c.6436C>A (p.Arg2146Ser)

Gene: FLNA (filamin A; minus strand). Cytogenetic location: Xq28.
Variant type: single nucleotide variant.
Coding change: c.6436C>A on transcript NM_001110556.2 (MANE Select); coding-DNA position 6436, C replaced by A.
Protein change: p.Arg2146Ser; replaces arginine 2146 with serine.
Molecular consequence: missense variant.
Genome position (GRCh38, 1-based): chrX:154,352,619, G>T on the plus strand (C>A on the coding strand, the complement: FLNA is on the minus strand). VCF-style: chrX-154352619-G-T. GRCh37 (hg19) VCF-style: chrX-153580987-G-T.
Other names: c.6412C>A, p.Arg2138Ser (NM_001456.4); short protein forms R2138S, R2146S.
Identifiers: ClinVar variation 2504677 (VCV002504677.1), dbSNP rs200832880, ClinGen allele CA415192260.

ClinVar aggregate classification (germline): Uncertain significance (1 of 4 stars; one submission).

Submission:

GeneDx
Classification: Uncertain significance. Last evaluated: 2022-12-09. Review status: criteria provided, single submitter. Criteria: GeneDx Variant Classification Process June 2021. Collection method: clinical testing. Allele origin: germline. Affected: yes.
Comment: Not observed at significant frequency in large population cohorts (gnomAD); In silico analysis supports that this missense variant has a deleterious effect on protein structure/function; Has not been previously published as pathogenic or benign to our knowledge